The following is an entry in ClinVar:

NC_000023.10:g.(?_32305646)_(32328393_?)dup

Gene: DMD (dystrophin; minus strand). Cytogenetic location: Xp21.1.
Variant type: Duplication.
Identifiers: ClinVar variation 417491 (VCV000417491.1).

ClinVar aggregate classification (germline): Pathogenic (1 of 4 stars; one submission).

Conditions:
Duchenne muscular dystrophy (DMD). Also called: MUSCULAR DYSTROPHY, PSEUDOHYPERTROPHIC PROGRESSIVE, DUCHENNE TYPE; Duchenne Muscular Dystrophy (DMD). Identifiers: Orphanet 98896, MedGen C0013264, MONDO:0010679, OMIM 310200.

Submission:

Labcorp Genetics (formerly Invitae), Labcorp
Classification: Pathogenic for Duchenne muscular dystrophy. Last evaluated: 2016-07-22. Review status: criteria provided, single submitter. Criteria: Invitae Variant Classification Sherloc (09022015). Collection method: clinical testing. Allele origin: germline.
Comment: This variant is a gross duplication of the genomic region encompassing exons 42-43 of the DMD gene. While the exact position of the duplicated exons cannot be determined from this data, the duplicated copy of this region is likely in tandem and may result in an absent or disrupted protein product. Duplication of exon 43 has been reported in a patient diagnosed with either Duchenne muscular dystrophy (DMD) or Becker muscular dystrophy (BMD) (PMID: 16917894). In addition, duplication of exon 42 was reported in a patient with either DMD or BMD who also harbored a triplication of exons 43-44 (PMID: 16917894). For these reasons, this variant has been classified as Pathogenic.